The following is an entry in ClinVar:

NM_003062.4(SLIT3):c.1785C>T (p.Thr595=)

Gene: SLIT3 (slit guidance ligand 3; minus strand). Cytogenetic location: 5q34.
Variant type: single nucleotide variant.
Coding change: c.1785C>T on transcript NM_003062.4 (MANE Select); coding-DNA position 1785, C replaced by T.
Protein change: p.Thr595=; no amino-acid change (threonine 595 retained).
Molecular consequence: synonymous variant.
Genome position (GRCh38, 1-based): chr5:168,753,908, G>A on the plus strand (C>T on the coding strand, the complement: SLIT3 is on the minus strand). VCF-style: chr5-168753908-G-A. GRCh37 (hg19) VCF-style: chr5-168180913-G-A.
Other names: c.1785C>T, p.Thr595= (NM_001271946.2).
Identifiers: ClinVar variation 2656057 (VCV002656057.24), dbSNP rs763629847, ClinGen allele CA3551530.

ClinVar aggregate classification (germline): Likely benign (1 of 4 stars; one submission).

Allele frequency attached by ClinVar (database versions not stated): gnomAD exomes 0.00002; TOPMed 0.00005; ExAC 0.00006; gnomAD 0.00006.
gnomAD v4.1: 61 of 1,612,026 alleles (0.0038%); highest among the groups gnomAD compares: East Asian, 0.062%; no homozygotes.

Submission:

CeGaT Center for Human Genetics Tuebingen
Classification: Likely benign. Last evaluated: 2023-01-01. Review status: criteria provided, single submitter. Criteria: CeGaT Center For Human Genetics Tuebingen Variant Classification Criteria Version 2. Collection method: clinical testing. Allele origin: germline. Affected: yes. Observed: 1 variant allele.
Comment: SLIT3: BP4, BP7